The following is an entry in ClinVar:

NM_001818.5(AKR1C4):c.52G>A (p.Val18Ile)

Gene: AKR1C4 (aldo-keto reductase family 1 member C4; plus strand). Cytogenetic location: 10p15.1.
Variant type: single nucleotide variant.
Coding change: c.52G>A on transcript NM_001818.5 (MANE Select); coding-DNA position 52, G replaced by A.
Protein change: p.Val18Ile; replaces valine 18 with isoleucine.
Molecular consequence: missense variant.
Genome position (GRCh38, 1-based): chr10:5,196,919, G>A. VCF-style: chr10-5196919-G-A. GRCh37 (hg19) VCF-style: chr10-5238882-G-A.
Other names: c.52G>A (NM_001818.3); short protein forms V18I.
Identifiers: ClinVar variation 2968288 (VCV002968288.4), dbSNP rs574478596, ClinGen allele CA5391255.

ClinVar aggregate classification (germline): Uncertain significance. Review status: criteria provided, multiple submitters, no conflicts (2 of 4 stars). 2 submissions from 2 submitters: Uncertain significance (2). Last evaluated 2025-05-16.

Conditions:
AKR1C4-related disorder. Also called: AKR1C4-related condition.

Allele frequency attached by ClinVar (database versions not stated): ExAC 0.00002.
gnomAD v4.1: 16 of 1,613,670 alleles (0.00099%); highest among the groups gnomAD compares: African/African-American, 0.004%; no homozygotes.

Submissions (2):

PreventionGenetics, part of Exact Sciences
Classification: Uncertain significance for AKR1C4-related condition. Last evaluated: 2025-05-16. Review status: criteria provided, single submitter. Criteria: ACMG Guidelines, 2015. Collection method: clinical testing. Allele origin: germline.
Comment: The AKR1C4 c.52G>A variant is predicted to result in the amino acid substitution p.Val18Ile. To our knowledge, this variant has not been reported in the literature. This variant is reported in 0.019% of alleles in individuals of Ashkenazi Jewish descent in gnomAD. At this time, the clinical significance of this variant is uncertain due to the absence of conclusive functional and genetic evidence.

Labcorp Genetics (formerly Invitae), Labcorp
Classification: Uncertain significance. Last evaluated: 2023-09-10. Review status: criteria provided, single submitter. Criteria: Invitae Variant Classification Sherloc (09022015). Collection method: clinical testing. Allele origin: germline.
Comment: In summary, the available evidence is currently insufficient to determine the role of this variant in disease. Therefore, it has been classified as a Variant of Uncertain Significance. Advanced modeling of protein sequence and biophysical properties (such as structural, functional, and spatial information, amino acid conservation, physicochemical variation, residue mobility, and thermodynamic stability) performed at Invitae indicates that this missense variant is not expected to disrupt AKR1C4 protein function. This variant has not been reported in the literature in individuals affected with AKR1C4-related conditions. This variant is present in population databases (rs574478596, gnomAD 0.02%). This sequence change replaces valine, which is neutral and non-polar, with isoleucine, which is neutral and non-polar, at codon 18 of the AKR1C4 protein (p.Val18Ile).